The following is an entry in ClinVar:

ClinVar aggregate classification (germline): Benign. Review status: criteria provided, multiple submitters, no conflicts (2 of 4 stars). 2 submissions from 2 submitters: Benign (2). Last evaluated 2018-06-14.

Allele frequency attached by ClinVar (database versions not stated): 1000 Genomes Project 30x 0.21955; 1000 Genomes Project 0.22185; TOPMed 0.24151; gnomAD 0.24884 and 0.25072.
gnomAD v4.1: 422,023 of 1,536,282 alleles (27%); highest among the groups gnomAD compares: East Asian, 30%; 59,278 homozygotes.

Submissions (2):

GeneDx
Classification: Benign. Last evaluated: 2018-06-14. Review status: criteria provided, single submitter. Criteria: GeneDx Variant Classification (06012015). Collection method: clinical testing. Allele origin: germline. Affected: yes.
Comment: This variant is considered likely benign or benign based on one or more of the following criteria: it is a conservative change, it occurs at a poorly conserved position in the protein, it is predicted to be benign by multiple in silico algorithms, and/or has population frequency not consistent with disease.

Breakthrough Genomics
Classification: Benign. Review status: criteria provided, single submitter. Criteria: ACMG Guidelines, 2015. Collection method: not provided. Allele origin: germline. Inheritance: Autosomal dominant inheritance. Affected: yes.

NM_001083962.2(TCF4):c.1350+55A>G

Gene: TCF4 (transcription factor 4; minus strand). Cytogenetic location: 18q21.2.
Variant type: single nucleotide variant.
Coding change: c.1350+55A>G on transcript NM_001083962.2 (MANE Select); 55 bases into the intron after coding-DNA position 1350, A replaced by G.
Molecular consequence: intron variant.
Genome position (GRCh38, 1-based): chr18:55,254,442, T>C on the plus strand (A>G on the coding strand, the complement: TCF4 is on the minus strand). VCF-style: chr18-55254442-T-C. GRCh37 (hg19) VCF-style: chr18-52921673-T-C.
Other names: c.1656+55A>G (NM_001243226.3); c.1275+55A>G (NM_001369584.1, NM_001369576.1, NM_001369577.1 and 6 more transcripts); c.1278+55A>G (NM_001369582.1, NM_001243227.2, NM_001369583.1 and 5 more transcripts); c.1281+55A>G (NM_001369586.1); c.1350+55A>G (NM_001369571.1, NM_001369567.1, NM_001369572.1 and 2 more transcripts); c.1368+55A>G (NM_001243228.2); c.1341+55A>G (NM_001243230.2); c.1347+55A>G (NM_001369569.1, NM_001369573.1, NM_001369570.1 and 2 more transcripts); and 6 more.
Identifiers: ClinVar variation 670688 (VCV000670688.2), dbSNP rs1539951, ClinGen allele CA15921756.
Genomic context (GRCh38, chr18:55,254,442, plus strand): 5'-TAAGTGAATTATATCTCAATAAAGCTGATTTTTTAAAAAACAGCAACAATAGTATCTATA[T>C]CTGAAATTCTAACTCTATATGATAACTATAGAGTCTATAAATTTCATCACTTACCATGAG-3'